The following is an entry in ClinVar:

ClinVar aggregate classification (germline): Uncertain significance. Review status: criteria provided, multiple submitters, no conflicts (2 of 4 stars). 4 submissions from 4 submitters: Uncertain significance (4). Last evaluated 2024-04-08.

Conditions:
Long QT syndrome (LQTS). Identifiers: MedGen C0023976, MeSH D008133, MONDO:0002442. Disease mechanism: loss of function. Inheritance: Various modes of inheritance.
Cardiac arrhythmia. Also called: Cardiac rhythm disease; Arrhythmia. Identifiers: MedGen C0003811, MONDO:0007263, HP:0011675.
Cardiovascular phenotype. Identifiers: MedGen CN230736.

Allele frequency attached by ClinVar (database versions not stated): gnomAD 0.00001; gnomAD exomes 0.00001; TOPMed 0.00001; ExAC 0.00002; 1000 Genomes Project 30x 0.00016; 1000 Genomes Project 0.00020.
gnomAD v4.1: 9 of 1,614,014 alleles (0.00056%); highest among the groups gnomAD compares: African/African-American, 0.0013%; no homozygotes.

Submissions (4):

Color Diagnostics, LLC DBA Color Health
Classification: Uncertain significance for Cardiac arrhythmia. Last evaluated: 2024-04-08. Review status: criteria provided, single submitter. Criteria: ACMG Guidelines, 2015. Collection method: clinical testing. Allele origin: germline.
Comment: This missense variant replaces alanine with threonine at codon 329 of the KCNQ1 protein. Computational prediction suggests that this variant may have deleterious impact on protein structure and function (internally defined REVEL score threshold >= 0.7, PMID: 27666373). To our knowledge, functional studies have not been reported for this variant. This variant has been reported in in an individual without inherited arrhythmia or other cardiovascular diseases (PMID: 31696929). This variant has been identified in 3/251396 chromosomes in the general population by the Genome Aggregation Database (gnomAD). The available evidence is insufficient to determine the role of this variant in disease conclusively. Therefore, this variant is classified as a Variant of Uncertain Significance.

Blueprint Genetics
Classification: Uncertain significance. Last evaluated: 2023-10-19. Review status: criteria provided, single submitter. Criteria: ACMG Guidelines, 2015. Collection method: clinical testing. Allele origin: germline.

Labcorp Genetics (formerly Invitae), Labcorp
Classification: Uncertain significance for Long QT syndrome. Last evaluated: 2021-08-28. Review status: criteria provided, single submitter. Criteria: Invitae Variant Classification Sherloc (09022015). Collection method: clinical testing. Allele origin: germline.
Comment: This sequence change replaces alanine with threonine at codon 329 of the KCNQ1 protein (p.Ala329Thr). The alanine residue is highly conserved and there is a small physicochemical difference between alanine and threonine. This variant is present in population databases (rs543428644, ExAC 0.01%). This variant has not been reported in the literature in individuals affected with KCNQ1-related conditions. ClinVar contains an entry for this variant (Variation ID: 518688). Algorithms developed to predict the effect of missense changes on protein structure and function (SIFT, PolyPhen-2, Align-GVGD) all suggest that this variant is likely to be disruptive. In summary, the available evidence is currently insufficient to determine the role of this variant in disease. Therefore, it has been classified as a Variant of Uncertain Significance.

Ambry Genetics
Classification: Uncertain significance for Cardiovascular phenotype. Last evaluated: 2017-07-19. Review status: criteria provided, single submitter. Criteria: Ambry Variant Classification Scheme 2023. Collection method: clinical testing. Allele origin: germline.
Comment: The p.A329T variant (also known as c.985G>A), located in coding exon 7 of the KCNQ1 gene, results from a G to A substitution at nucleotide position 985. The alanine at codon 329 is replaced by threonine, an amino acid with similar properties. This amino acid position is located in the S6 transmembrane helix of the Kv7.1 channel, and is highly conserved in available vertebrate species. In addition, this alteration is predicted to be deleterious by in silico analysis. Since supporting evidence is limited at this time, the clinical significance of this alteration remains unclear.

Literature cited by the submitters: PubMed 31696929 (cited by Color Diagnostics, LLC DBA Color Health).

NM_000218.3(KCNQ1):c.985G>A (p.Ala329Thr)

Gene: KCNQ1 (potassium voltage-gated channel subfamily Q member 1; plus strand). Cytogenetic location: 11p15.5.
Variant type: single nucleotide variant.
Coding change: c.985G>A on transcript NM_000218.3 (MANE Select); coding-DNA position 985, G replaced by A.
Protein change: p.Ala329Thr; replaces alanine 329 with threonine.
Molecular consequence: missense variant.
Genome position (GRCh38, 1-based): chr11:2,583,498, G>A. VCF-style: chr11-2583498-G-A. GRCh37 (hg19) VCF-style: chr11-2604728-G-A.
Other names: c.985G>A, p.Ala329Thr (NM_001406836.1); c.715G>A, p.Ala239Thr (NM_001406837.1); c.541G>A, p.Ala181Thr (NM_001406838.1); c.604G>A, p.Ala202Thr (NM_181798.2); short protein forms A202T, A329T, A181T, A239T.
Identifiers: ClinVar variation 518688 (VCV000518688.13), dbSNP rs543428644, ClinGen allele CA041925.
Genomic context (GRCh38, chr11:2,583,498, plus strand): 5'-ACAGTCACCACCATCGGCTATGGGGACAAGGTGCCCCAGACGTGGGTCGGGAAGACCATC[G>A]CCTCCTGCTTCTCTGTCTTTGCCATCTCCTTCTTTGCGCTCCCAGCGGTAGGTGCCCCGT-3'
Protein context (NP_000209.2, residues 319-339): VPQTWVGKTI[Ala329Thr]SCFSVFAISF